The following is an entry in ClinVar:

ClinVar aggregate classification (germline): Uncertain significance (1 of 4 stars; one submission).

Submission:

Labcorp Genetics (formerly Invitae), Labcorp
Classification: Uncertain significance. Last evaluated: 2024-10-22. Review status: criteria provided, single submitter. Criteria: Invitae Variant Classification Sherloc (09022015). Collection method: clinical testing. Allele origin: germline.
Comment: This sequence change replaces aspartic acid, which is acidic and polar, with tyrosine, which is neutral and polar, at codon 248 of the KRT6B protein (p.Asp248Tyr). This variant is not present in population databases (gnomAD no frequency). This variant has not been reported in the literature in individuals affected with KRT6B-related conditions. Invitae Evidence Modeling of protein sequence and biophysical properties (such as structural, functional, and spatial information, amino acid conservation, physicochemical variation, residue mobility, and thermodynamic stability) has been performed for this missense variant. However, the output from this modeling did not meet the statistical confidence thresholds required to predict the impact of this variant on KRT6B protein function. In summary, the available evidence is currently insufficient to determine the role of this variant in disease. Therefore, it has been classified as a Variant of Uncertain Significance.

NM_005555.4(KRT6B):c.742G>T (p.Asp248Tyr)

Gene: KRT6B (keratin 6B; minus strand). Cytogenetic location: 12q13.13.
Variant type: single nucleotide variant.
Coding change: c.742G>T on transcript NM_005555.4 (MANE Select); coding-DNA position 742, G replaced by T.
Protein change: p.Asp248Tyr; replaces aspartic acid 248 with tyrosine.
Molecular consequence: missense variant.
Genome position (GRCh38, 1-based): chr12:52,450,419, C>A on the plus strand (G>T on the coding strand, the complement: KRT6B is on the minus strand). VCF-style: chr12-52450419-C-A. GRCh37 (hg19) VCF-style: chr12-52844203-C-A.
Other names: short protein forms D248Y.
Identifiers: ClinVar variation 3632908 (VCV003632908.2).